The following is an entry in ClinVar:

ClinVar aggregate classification (germline): Likely benign (0 of 4 stars; one submission).

Conditions:
BRF1-related disorder. Also called: BRF1-related condition.

Allele frequency attached by ClinVar (database versions not stated): TOPMed 0.00004; gnomAD 0.00005; ExAC 0.00008.
gnomAD v4.1: 85 of 1,590,766 alleles (0.0053%); highest among the groups gnomAD compares: Non-Finnish European, 0.0062%; 1 homozygote.

Submission:

PreventionGenetics, part of Exact Sciences
Classification: Likely benign for BRF1-related condition. Last evaluated: 2019-05-29. Review status: no assertion criteria provided. Collection method: clinical testing. Allele origin: germline.
Comment: This variant is classified as likely benign based on ACMG/AMP sequence variant interpretation guidelines (Richards et al. 2015 PMID: 25741868, with internal and published modifications).

NM_001519.4(BRF1):c.1056C>T (p.Thr352=)

Gene: BRF1 (BRF1 general transcription factor IIIB subunit; minus strand). Cytogenetic location: 14q32.33.
Variant type: single nucleotide variant.
Coding change: c.1056C>T on transcript NM_001519.4 (MANE Select); coding-DNA position 1056, C replaced by T.
Protein change: p.Thr352=; no amino-acid change (threonine 352 retained).
Molecular consequence: synonymous variant.
Genome position (GRCh38, 1-based): chr14:105,221,907, G>A on the plus strand (C>T on the coding strand, the complement: BRF1 is on the minus strand). VCF-style: chr14-105221907-G-A. GRCh37 (hg19) VCF-style: chr14-105688244-G-A.
Other names: c.711C>T, p.Thr237= (NM_001242786.2, NM_001242787.2); c.975C>T, p.Thr325= (NM_001242788.2); c.342C>T, p.Thr114= (NM_001242789.2); c.444C>T, p.Thr148= (NM_145685.3).
Identifiers: ClinVar variation 3044811 (VCV003044811.2), dbSNP rs762856606, ClinGen allele CA7387311.